The following is an entry in ClinVar:

ClinVar aggregate classification (germline): Uncertain significance. Review status: criteria provided, multiple submitters, no conflicts (2 of 4 stars). 2 submissions from 2 submitters: Uncertain significance (2). Last evaluated 2025-09-22.

Conditions:
Thrombomodulin-related bleeding disorder (THPH12). Also called: Thrombophilia due to thrombomodulin defect. Identifiers: Orphanet 436169, MedGen C3280976, MONDO:0013775, OMIM 614486.

Submissions (2):

Genomenon, Inc
Classification: Uncertain significance for Thrombomodulin-related bleeding disorder. Last evaluated: 2025-09-22. Review status: criteria provided, single submitter. Criteria: Genomenon Sequence Variant Interpretation Standards - Updated. Collection method: curation. Allele origin: germline. Affected: no.
Comment: THBD p.Asp489Tyr (c.1465G>T) is a missense variant that changes the amino acid at residue 489 from Aspartic acid to Tyrosine. This variant has been reported in the published literature (PMID:35619721). It is absent or not present at a significant frequency in gnomAD. In silico models agree that this variant is not damaging. In conclusion, we classify THBD p.Asp489Tyr (c.1465G>T) as a variant of unknown significance.

Labcorp Genetics (formerly Invitae), Labcorp
Classification: Uncertain significance. Last evaluated: 2023-11-16. Review status: criteria provided, single submitter. Criteria: Invitae Variant Classification Sherloc (09022015). Collection method: clinical testing. Allele origin: germline.
Comment: This sequence change replaces aspartic acid, which is acidic and polar, with tyrosine, which is neutral and polar, at codon 489 of the THBD protein (p.Asp489Tyr). The frequency data for this variant in the population databases is considered unreliable, as metrics indicate poor data quality at this position in the gnomAD database. This variant has not been reported in the literature in individuals affected with THBD-related conditions. Advanced modeling of protein sequence and biophysical properties (such as structural, functional, and spatial information, amino acid conservation, physicochemical variation, residue mobility, and thermodynamic stability) performed at Invitae indicates that this missense variant is not expected to disrupt THBD protein function with a negative predictive value of 80%. In summary, the available evidence is currently insufficient to determine the role of this variant in disease. Therefore, it has been classified as a Variant of Uncertain Significance.

Literature cited by the submitters: PubMed 35619721 (cited by Genomenon, Inc).

NM_000361.3(THBD):c.1465G>T (p.Asp489Tyr)

Gene: THBD (thrombomodulin; minus strand). Cytogenetic location: 20p11.21.
Variant type: single nucleotide variant.
Coding change: c.1465G>T on transcript NM_000361.3 (MANE Select); coding-DNA position 1465, G replaced by T.
Protein change: p.Asp489Tyr; replaces aspartic acid 489 with tyrosine.
Molecular consequence: missense variant.
Genome position (GRCh38, 1-based): chr20:23,048,040, C>A on the plus strand (G>T on the coding strand, the complement: THBD is on the minus strand). VCF-style: chr20-23048040-C-A. GRCh37 (hg19) VCF-style: chr20-23028677-C-A.
Other names: short protein forms D489Y.
Identifiers: ClinVar variation 3006904 (VCV003006904.4), dbSNP rs888161210, ClinGen allele CA408405466.